The following is an entry in ClinVar:

NM_001267550.2(TTN):c.44937T>C (p.Ala14979=)

Genes: TTN (titin; minus strand), LOC126806427 (BRD4-independent group 4 enhancer GRCh37_chr2:179485777-179486976; plus strand). Cytogenetic location: 2q31.2.
Variant type: single nucleotide variant.
Coding change: c.44937T>C on transcript NM_001267550.2 (MANE Select); coding-DNA position 44937, T replaced by C.
Protein change: p.Ala14979=; no amino-acid change (alanine 14979 retained).
Molecular consequence: synonymous variant.
Genome position (GRCh38, 1-based): chr2:178,621,985, A>G on the plus strand (T>C on the coding strand, the complement: TTN is on the minus strand). VCF-style: chr2-178621985-A-G. GRCh37 (hg19) VCF-style: chr2-179486712-A-G.
Other names: c.37233T>C, p.Ala12411= (NM_133378.4); c.40014T>C, p.Ala13338= (NM_001256850.1); c.17742T>C, p.Ala5914= (NM_003319.4); c.18117T>C, p.Ala6039= (NM_133432.3); c.18318T>C, p.Ala6106= (NM_133437.4).
Identifiers: ClinVar variation 517348 (VCV000517348.15), dbSNP rs370413913, ClinGen allele CA1995531.

ClinVar aggregate classification (germline): Likely benign. Review status: criteria provided, multiple submitters, no conflicts (2 of 4 stars). 4 submissions from 4 submitters: Likely benign (4). Last evaluated 2025-12-03.

Conditions:
Cardiovascular phenotype. Identifiers: MedGen CN230736.
Autosomal recessive limb-girdle muscular dystrophy type 2J (LGMDR10). Also called: Limb-girdle muscular dystrophy, type 2J; MUSCULAR DYSTROPHY, LIMB-GIRDLE, AUTOSOMAL RECESSIVE 10. Identifiers: Orphanet 140922, MedGen C1837342, MONDO:0012127, OMIM 608807.
Dilated cardiomyopathy 1G (CMD1G). Identifiers: Orphanet 154, MedGen C1858763, MONDO:0011400, OMIM 604145.

Allele frequency attached by ClinVar (database versions not stated): TOPMed 0.00003.
gnomAD v4.1: 65 of 1,609,370 alleles (0.004%); highest among the groups gnomAD compares: Non-Finnish European, 0.0049%; no homozygotes.

Submissions (4):

Labcorp Genetics (formerly Invitae), Labcorp
Classification: Likely benign for Dilated cardiomyopathy 1G; Autosomal recessive limb-girdle muscular dystrophy type 2J. Last evaluated: 2025-12-03. Review status: criteria provided, single submitter. Criteria: Invitae Variant Classification Sherloc (09022015). Collection method: clinical testing. Allele origin: germline.

Blueprint Genetics
Classification: Likely benign. Last evaluated: 2024-10-31. Review status: criteria provided, single submitter. Criteria: ACMG Guidelines, 2015. Collection method: clinical testing. Allele origin: germline.

Ambry Genetics
Classification: Likely benign for Cardiovascular phenotype. Last evaluated: 2021-10-25. Review status: criteria provided, single submitter. Criteria: Ambry Variant Classification Scheme 2023. Collection method: clinical testing. Allele origin: germline.

Laboratory for Molecular Medicine, Mass General Brigham Personalized Medicine
Classification: Likely benign. Last evaluated: 2017-04-10. Review status: criteria provided, single submitter. Criteria: LMM Criteria. Collection method: clinical testing. Allele origin: germline. Observed: 1 variant allele.
Comment: p.Ala12411Ala in exon 193 of TTN: This variant is not expected to have clinical significance because it does not alter an amino acid residue and is not located within the splice consensus sequence. It has been identified in 2/51966 European chromosomes by the Exome Aggregation Consortium (ExAC; dbSNP rs370413913).